The following is an entry in ClinVar:

ClinVar aggregate classification (germline): Uncertain significance (1 of 4 stars; one submission).

Conditions:
Developmental and epileptic encephalopathy, 67. Also called: EPILEPTIC ENCEPHALOPATHY, EARLY INFANTILE, 67. Identifiers: MedGen C4748341, MONDO:0029138, OMIM 618141.

Submission:

MVZ Medizinische Genetik Mainz
Classification: Uncertain significance for Developmental and epileptic encephalopathy, 67. Last evaluated: 2025-02-05. Review status: criteria provided, single submitter. Criteria: UK Practice Guidelines For Variant Classification V4 01 2020. Collection method: clinical testing. Allele origin: germline. Inheritance: Autosomal dominant inheritance. Affected: yes. Observed: 1 variant allele.
Comment: ACMG Criteria: PVS1_MOD,PM2_SUP

NM_015267.4(CUX2):c.1050delA (p.Lys351fs)

Gene: CUX2 (cut like homeobox 2; plus strand). Cytogenetic location: 12q24.12.
Variant type: Deletion.
Coding change: c.1050delA on transcript NM_015267.4 (MANE Select); coding-DNA position 1050, one base deleted (A).
Protein change: p.Lys351fs; shifts the reading frame from lysine 351.
Molecular consequence: frameshift variant.
Genome position (GRCh38, 1-based): chr12:111,307,112, A deleted; the last of 2 consecutive A bases (chr12:111,307,111-111,307,112); deleting either gives the same sequence. VCF-style (leftmost placement, unchanged base first): chr12-111307110-GA-G. GRCh37 (hg19) VCF-style: chr12-111744914-GA-G.
Other names: c.864delA, p.Lys289fs (NM_001370598.1); short protein forms K289fs, K351fs.
Identifiers: ClinVar variation 3764804 (VCV003764804.1).
Genomic context (GRCh38, chr12:111,307,110, plus strand): 5'-GCATCCGCCAACCAGATCGCCGACCTGGAGCGGCAGCTCACGGCCAAGTCCGAGGCCATA[GA>G]AGTGGGTCCTGGGGAGGAGGCAGGCGGGCAGGCGGCCCCATGCAGAAGCACACAGACCAG-3'